The following is an entry in ClinVar:

NM_145038.5(DRC1):c.994G>C (p.Val332Leu)

Gene: DRC1 (dynein regulatory complex subunit 1; plus strand). Cytogenetic location: 2p23.3.
Variant type: single nucleotide variant.
Coding change: c.994G>C on transcript NM_145038.5 (MANE Select); coding-DNA position 994, G replaced by C.
Protein change: p.Val332Leu; replaces valine 332 with leucine.
Molecular consequence: missense variant.
Genome position (GRCh38, 1-based): chr2:26,440,483, G>C. VCF-style: chr2-26440483-G-C. GRCh37 (hg19) VCF-style: chr2-26663351-G-C.
Other names: c.994G>C (NM_145038.2); short protein forms V332L.
Identifiers: ClinVar variation 1380454 (VCV001380454.7), dbSNP rs367682395, ClinGen allele CA1562103.

ClinVar aggregate classification (germline): Uncertain significance. Review status: criteria provided, multiple submitters, no conflicts (2 of 4 stars). 2 submissions from 2 submitters: Uncertain significance (2). Last evaluated 2024-10-28.

Conditions:
Inborn genetic diseases. Identifiers: MedGen C0950123, MeSH D030342.
Primary ciliary dyskinesia. Also called: Ciliary dyskinesia. Identifiers: Orphanet 244, MedGen C0008780, MONDO:0016575, HP:0012265.

Allele frequency attached by ClinVar (database versions not stated): gnomAD 0.00005 and 0.00006; ExAC 0.00006; TOPMed 0.00006; gnomAD exomes 0.00007 and 0.00008; ESP Exome Variant Server 0.00015.
gnomAD v4.1: 117 of 1,613,070 alleles (0.0073%); highest among the groups gnomAD compares: Non-Finnish European, 0.0092%; no homozygotes.

Submissions (2):

Labcorp Genetics (formerly Invitae), Labcorp
Classification: Uncertain significance for Primary ciliary dyskinesia. Last evaluated: 2024-10-28. Review status: criteria provided, single submitter. Criteria: Invitae Variant Classification Sherloc (09022015). Collection method: clinical testing. Allele origin: germline.
Comment: This sequence change replaces valine, which is neutral and non-polar, with leucine, which is neutral and non-polar, at codon 332 of the DRC1 protein (p.Val332Leu). This variant is present in population databases (rs367682395, gnomAD 0.02%). This variant has not been reported in the literature in individuals affected with DRC1-related conditions. ClinVar contains an entry for this variant (Variation ID: 1380454). An algorithm developed to predict the effect of missense changes on protein structure and function (PolyPhen-2) suggests that this variant¬†is likely to be tolerated. In summary, the available evidence is currently insufficient to determine the role of this variant in disease. Therefore, it has been classified as a Variant of Uncertain Significance.

Ambry Genetics
Classification: Uncertain significance for Inborn genetic diseases. Last evaluated: 2024-03-01. Review status: criteria provided, single submitter. Criteria: Ambry Variant Classification Scheme 2023. Collection method: clinical testing. Allele origin: germline.